The following is an entry in ClinVar:

NM_001378183.1(PIEZO2):c.7015G>C (p.Glu2339Gln)

Gene: PIEZO2 (piezo type mechanosensitive ion channel component 2; minus strand). Cytogenetic location: 18p11.22.
Variant type: single nucleotide variant.
Coding change: c.7015G>C on transcript NM_001378183.1 (MANE Select); coding-DNA position 7015, G replaced by C.
Protein change: p.Glu2339Gln; replaces glutamic acid 2339 with glutamine.
Molecular consequence: missense variant.
Genome position (GRCh38, 1-based): chr18:10,696,249, C>G on the plus strand (G>C on the coding strand, the complement: PIEZO2 is on the minus strand). VCF-style: chr18-10696249-C-G. GRCh37 (hg19) VCF-style: chr18-10696247-C-G.
Other names: c.6751G>C, p.Glu2251Gln (NM_001410871.1); c.6676G>C, p.Glu2226Gln (NM_022068.4); short protein forms E2226Q, E2339Q, E2251Q.
Identifiers: ClinVar variation 4741961 (VCV004741961.1).

ClinVar aggregate classification (germline): Uncertain significance (1 of 4 stars; one submission).

gnomAD v4.1: 1 of 1,614,234 alleles (0.000062%); highest among the groups gnomAD compares: Non-Finnish European, 0.000085%; no homozygotes.

Submission:

Labcorp Genetics (formerly Invitae), Labcorp
Classification: Uncertain significance. Last evaluated: 2025-05-05. Review status: criteria provided, single submitter. Criteria: Invitae Variant Classification Sherloc (09022015). Collection method: clinical testing. Allele origin: germline.
Comment: This sequence change replaces glutamic acid, which is acidic and polar, with glutamine, which is neutral and polar, at codon 2226 of the PIEZO2 protein (p.Glu2226Gln). This variant is not present in population databases (gnomAD no frequency). This variant has not been reported in the literature in individuals affected with PIEZO2-related conditions. Invitae Evidence Modeling of protein sequence and biophysical properties (such as structural, functional, and spatial information, amino acid conservation, physicochemical variation, residue mobility, and thermodynamic stability) indicates that this missense variant is not expected to disrupt PIEZO2 protein function with a negative predictive value of 80%. Algorithms developed to predict the effect of sequence changes on RNA splicing suggest that this variant may create or strengthen a splice site. In summary, the available evidence is currently insufficient to determine the role of this variant in disease. Therefore, it has been classified as a Variant of Uncertain Significance.